The following is an entry in ClinVar:

NM_014633.5(CTR9):c.2581-3T>C

Gene: CTR9 (CTR9 component of Paf1/RNA polymerase II complex; plus strand). Cytogenetic location: 11p15.4.
Variant type: single nucleotide variant.
Coding change: c.2581-3T>C on transcript NM_014633.5 (MANE Select); 3 bases into the intron before coding-DNA position 2581, T replaced by C.
Molecular consequence: intron variant.
Genome position (GRCh38, 1-based): chr11:10,773,124, T>C. VCF-style: chr11-10773124-T-C. GRCh37 (hg19) VCF-style: chr11-10794671-T-C.
Other names: c.2509-3T>C (NM_001346279.2).
Identifiers: ClinVar variation 2886595 (VCV002886595.3), dbSNP rs376074649, ClinGen allele CA217712057.

ClinVar aggregate classification (germline): Uncertain significance (1 of 4 stars; one submission).

Allele frequency attached by ClinVar (database versions not stated): TOPMed below 0.00001; ESP Exome Variant Server 0.00008.
gnomAD v4.1: 1 of 1,590,824 alleles (0.000063%); highest among the groups gnomAD compares: Non-Finnish European, 0.000085%; no homozygotes.

Submission:

Labcorp Genetics (formerly Invitae), Labcorp
Classification: Uncertain significance. Last evaluated: 2023-06-29. Review status: criteria provided, single submitter. Criteria: Invitae Variant Classification Sherloc (09022015). Collection method: clinical testing. Allele origin: germline.
Comment: This sequence change falls in intron 20 of the CTR9 gene. It does not directly change the encoded amino acid sequence of the CTR9 protein. It affects a nucleotide within the consensus splice site. This variant is present in population databases (rs376074649, gnomAD 0.0009%). This variant has not been reported in the literature in individuals affected with CTR9-related conditions. Variants that disrupt the consensus splice site are a relatively common cause of aberrant splicing (PMID: 17576681, 9536098). Algorithms developed to predict the effect of sequence changes on RNA splicing suggest that this variant is not likely to affect RNA splicing. In summary, the available evidence is currently insufficient to determine the role of this variant in disease. Therefore, it has been classified as a Variant of Uncertain Significance.

Literature cited by the submitters: PubMed 17576681; PubMed 9536098.